The following is an entry in ClinVar:

ClinVar aggregate classification (germline): Likely benign (1 of 4 stars; one submission).

Allele frequency attached by ClinVar (database versions not stated): gnomAD exomes 0.00083; 1000 Genomes Project 30x 0.00609; 1000 Genomes Project 0.00619; gnomAD 0.00620; TOPMed 0.00727.
gnomAD v4.1: 2,160 of 1,527,100 alleles (0.14%); highest among the groups gnomAD compares: African/African-American, 2.1%; 22 homozygotes.

Submission:

GeneDx
Classification: Likely benign. Last evaluated: 2020-07-20. Review status: criteria provided, single submitter. Criteria: GeneDx Variant Classification Process June 2021. Collection method: clinical testing. Allele origin: germline. Affected: yes.
Comment: See Variant Classification Assertion Criteria.

NM_022369.4(STRA6):c.1300+187G>T

Gene: STRA6 (signaling receptor and transporter of retinol STRA6; minus strand). Cytogenetic location: 15q24.1.
Variant type: single nucleotide variant.
Coding change: c.1300+187G>T on transcript NM_022369.4 (MANE Select); 187 bases into the intron after coding-DNA position 1300, G replaced by T.
Molecular consequence: intron variant.
Genome position (GRCh38, 1-based): chr15:74,183,669, C>A on the plus strand (G>T on the coding strand, the complement: STRA6 is on the minus strand). VCF-style: chr15-74183669-C-A. GRCh37 (hg19) VCF-style: chr15-74476010-C-A.
Other names: c.1411+187G>T (NM_001199040.2); c.1273+187G>T (NM_001142619.2); c.1300+187G>T (NM_001142617.2, NM_001142618.2); c.1345+187G>T (NM_001199041.2); c.1417+187G>T (NM_001199042.2).
Identifiers: ClinVar variation 1707400 (VCV001707400.2), dbSNP rs74815288, ClinGen allele CA272748740.